The following is an entry in ClinVar:

ClinVar aggregate classification (germline): Likely benign (1 of 4 stars; one submission).

Submission:

Women's Health and Genetics/Laboratory Corporation of America, LabCorp
Classification: Likely benign. Last evaluated: 2023-02-03. Review status: criteria provided, single submitter. Criteria: LabCorp Variant Classification Summary - May 2015. Collection method: clinical testing. Allele origin: germline.
Comment: Variant summary: The variant identified by MLPA or other technology involves the duplication of exons 1-2 in the LOXHD1 gene. A presumed nomenclature of c.(?_0)_(245+1_246-1)dup has been designated for the purposes of this classification. It has been assumed that this is a tandem duplication in direct orientation (Richardson_GIM_2018, Newman_AJHG_2015). Although exact breakpoints of this CNV are not known, it is expected to result in a large duplication change in the LOXHD1 gene, involving the intiation codon. The variant allele was found at a frequency of 0.0013 in 21694 control chromosomes, predominantly at a frequency of 0.0029 within the African or African-American subpopulation in the gnomAD database (Structural Variants dataset), including 2 homozygotes. The observed variant frequency within African or African-American control individuals in the gnomAD database is approximately 3-fold of the estimated maximal expected allele frequency for a pathogenic variant in LOXHD1 causing Nonsyndromic Hearing Loss And Deafness, Type 77 phenotype (0.0011), suggesting that the variant is a benign polymorphism found primarily in populations of African or African-American origin. To our knowledge, no occurrence of c.(?_0)_(245+1_246-1)dup in individuals affected with Nonsyndromic Hearing Loss And Deafness, Type 77 and no experimental evidence demonstrating its impact on protein function have been reported. A ClinVar submitter (evaluation after 2014) cites the variant as uncertain significance. Based on the evidence outlined above, the variant was classified as likely benign.

NC_000018.9:g.(44222000_44229117)_(44236997_?)dup

Gene: LOXHD1 (lipoxygenase homology PLAT domains 1; minus strand). Cytogenetic location: 18q21.1.
Variant type: Duplication.
Identifiers: ClinVar variation 2445973 (VCV002445973.1).